The following is an entry in ClinVar:

ClinVar aggregate classification (germline): Uncertain significance (1 of 4 stars; one submission).

Conditions:
Spondyloepimetaphyseal dysplasia, PAPSS2 type. Also called: SEMD, PAKISTANI TYPE; BRACHYOLMIA TYPE 4 WITH MILD EPIPHYSEAL AND METAPHYSEAL CHANGES; SPONDYLODYSPLASIA AND PREMATURE PUBARCHE. Identifiers: Orphanet 93282, MedGen C2748516, MONDO:0019666, OMIM 612847.

Allele frequency attached by ClinVar (database versions not stated): TOPMed below 0.00001; gnomAD 0.00001.
gnomAD v4.1: 3 of 1,599,974 alleles (0.00019%); highest among the groups gnomAD compares: Admixed American, 0.0017%; no homozygotes.

Submission:

Labcorp Genetics (formerly Invitae), Labcorp
Classification: Uncertain significance for Spondyloepimetaphyseal dysplasia, PAPSS2 type. Last evaluated: 2022-07-15. Review status: criteria provided, single submitter. Criteria: Invitae Variant Classification Sherloc (09022015). Collection method: clinical testing. Allele origin: germline.
Comment: This variant is present in population databases (no rsID available, gnomAD 0.001%). In summary, the available evidence is currently insufficient to determine the role of this variant in disease. Therefore, it has been classified as a Variant of Uncertain Significance. Variants that disrupt the consensus splice site are a relatively common cause of aberrant splicing (PMID: 17576681, 9536098). Algorithms developed to predict the effect of sequence changes on RNA splicing suggest that this variant may disrupt the consensus splice site. This variant has not been reported in the literature in individuals affected with PAPSS2-related conditions. This sequence change falls in intron 12 of the PAPSS2 gene. It does not directly change the encoded amino acid sequence of the PAPSS2 protein. It affects a nucleotide within the consensus splice site.

Literature cited by the submitters: PubMed 17576681; PubMed 9536098.

NM_001015880.2(PAPSS2):c.1721+5G>A

Gene: PAPSS2 (3'-phosphoadenosine 5'-phosphosulfate synthase 2; plus strand). Cytogenetic location: 10q23.31.
Variant type: single nucleotide variant.
Coding change: c.1721+5G>A on transcript NM_001015880.2 (MANE Select); 5 bases into the intron after coding-DNA position 1721, G replaced by A.
Molecular consequence: intron variant.
Genome position (GRCh38, 1-based): chr10:87,745,236, G>A. VCF-style: chr10-87745236-G-A. GRCh37 (hg19) VCF-style: chr10-89504993-G-A.
Other names: c.1706+5G>A (NM_004670.4).
Identifiers: ClinVar variation 2418332 (VCV002418332.6), dbSNP rs1378234652, ClinGen allele CA595184684.